The following is an entry in ClinVar:

NM_006031.6(PCNT):c.8830_8832del (p.Lys2944del)

Gene: PCNT (pericentrin; plus strand). Cytogenetic location: 21q22.3.
Variant type: Deletion.
Coding change: c.8830_8832del on transcript NM_006031.6 (MANE Select); coding-DNA positions 8830 to 8832, 3 bases deleted (AAG; older notation c.8830_8832delAAG).
Protein change: p.Lys2944del; deletes lysine 2944.
Molecular consequence: inframe deletion.
Genome position (GRCh38, 1-based): chr21:46,435,982-46,435,984, AAG deleted; deleting any 3 consecutive bases within chr21:46,435,981-46,435,984 gives the same sequence; the c. name uses the placement nearest the transcript's 3' end. VCF-style (leftmost placement, unchanged base first): chr21-46435980-CGAA-C. GRCh37 (hg19) VCF-style: chr21-47855893-CGAA-C.
Other names: c.8239_8241del, p.Lys2747del (NM_001315529.2); c.8830_8832delAAG (NM_006031.5); short protein forms K2944del, K2747del.
Identifiers: ClinVar variation 340536 (VCV000340536.18), dbSNP rs562568796, ClinGen allele CA10081094.

ClinVar aggregate classification (germline): Conflicting classifications of pathogenicity. Review status: criteria provided, conflicting classifications (1 of 4 stars). 3 submissions from 3 submitters: Uncertain significance (1); Benign (1). 1 of the submissions does not count toward it. Last evaluated 2025-11-13.

Conditions:
PCNT-related disorder. Also called: PCNT-related condition.

Submissions (3):

Labcorp Genetics (formerly Invitae), Labcorp
Classification: Benign. Last evaluated: 2025-11-13. Review status: criteria provided, single submitter. Criteria: Invitae Variant Classification Sherloc (09022015). Collection method: clinical testing. Allele origin: germline.

GeneDx
Classification: Uncertain significance. Last evaluated: 2019-10-25. Review status: criteria provided, single submitter. Criteria: GeneDx Variant Classification Process June 2021. Collection method: clinical testing. Allele origin: germline. Affected: yes.
Comment: Not observed in large population cohorts (Lek et al., 2016); In-frame deletion of 1 amino acid in a non-repeat region; Has not been previously published as pathogenic or benign to our knowledge

PreventionGenetics, part of Exact Sciences
Classification: Benign for PCNT-related condition. Last evaluated: 2022-10-04. Review status: no assertion criteria provided. Collection method: clinical testing. Allele origin: germline. Not counted in ClinVar's aggregate classification.
Comment: This variant is classified as benign based on ACMG/AMP sequence variant interpretation guidelines (Richards et al. 2015 PMID: 25741868, with internal and published modifications).